The following is an entry in ClinVar:

NM_020937.4(FANCM):c.6123A>C (p.Gln2041His)

Gene: FANCM (FA complementation group M; plus strand). Cytogenetic location: 14q21.2.
Variant type: single nucleotide variant.
Coding change: c.6123A>C on transcript NM_020937.4 (MANE Select); coding-DNA position 6123, A replaced by C.
Protein change: p.Gln2041His; replaces glutamine 2041 with histidine.
Molecular consequence: missense variant.
Genome position (GRCh38, 1-based): chr14:45,199,984, A>C. VCF-style: chr14-45199984-A-C. GRCh37 (hg19) VCF-style: chr14-45669187-A-C.
Other names: c.6045A>C, p.Gln2015His (NM_001308133.2); short protein forms Q2015H, Q2041H.
Identifiers: ClinVar variation 2681936 (VCV002681936.2), dbSNP rs2503285195, ClinGen allele CA389588507.

ClinVar aggregate classification (germline): Uncertain significance. Review status: criteria provided, multiple submitters, no conflicts (2 of 4 stars). 2 submissions from 2 submitters: Uncertain significance (2). Last evaluated 2025-04-11.

Conditions:
Inborn genetic diseases. Identifiers: MedGen C0950123, MeSH D030342.

Allele frequency attached by ClinVar (database versions not stated): gnomAD exomes below 0.00001.
gnomAD v4.1: 4 of 1,609,176 alleles (0.00025%); highest among the groups gnomAD compares: Non-Finnish European, 0.00026%; no homozygotes.

Submissions (2):

Ambry Genetics
Classification: Uncertain significance for Inborn genetic diseases. Last evaluated: 2025-04-11. Review status: criteria provided, single submitter. Criteria: Ambry Variant Classification Scheme 2023. Collection method: clinical testing. Allele origin: germline.
Comment: The p.Q2041H variant (also known as c.6123A>C), located in coding exon 23 of the FANCM gene, results from an A to C substitution at nucleotide position 6123. The glutamine at codon 2041 is replaced by histidine, an amino acid with highly similar properties. This amino acid position is conserved. In addition, this alteration is predicted to be tolerated by in silico analysis. Based on the available evidence, the clinical significance of this variant remains unclear.

Quest Diagnostics Nichols Institute San Juan Capistrano
Classification: Uncertain significance. Last evaluated: 2023-04-21. Review status: criteria provided, single submitter. Criteria: Quest Diagnostics criteria. Collection method: clinical testing. Allele origin: unknown.
Comment: This variant has not been reported in the published literature. It also has not been reported in large, multi-ethnic general populations. Analysis of this variant using bioinformatics tools for the prediction of the effect of amino acid changes on protein structure and function yielded predictions that this variant is benign. Based on the available information, we are unable to determine the clinical significance of this variant.